The following is an entry in ClinVar:

NM_015909.4(NBAS):c.1203del (p.Thr402fs)

Gene: NBAS (NBAS subunit of NRZ tethering complex; minus strand). Cytogenetic location: 2p24.3.
Variant type: Deletion.
Coding change: c.1203del on transcript NM_015909.4 (MANE Select); coding-DNA position 1203, one base deleted (G; older notation c.1203delG).
Protein change: p.Thr402fs; shifts the reading frame from threonine 402.
Molecular consequence: frameshift variant. On other transcripts: non-coding transcript variant (1).
Genome position (GRCh38, 1-based): chr2:15,475,825, C deleted on the plus strand (G on the coding strand, the reverse complement: NBAS is on the minus strand). VCF-style (leftmost placement, unchanged base first): chr2-15475824-TC-T. GRCh37 (hg19) VCF-style: chr2-15615948-TC-T.
Other names: short protein forms T402fs.
Identifiers: ClinVar variation 817987 (VCV000817987.1), dbSNP rs1572903776, ClinGen allele CA915943694.
Genomic context (GRCh38, chr2:15,475,824, plus strand): 5'-GTAAATTCTTCAAAGTTTTCACAGATGAAACAGTTAAAGCACCAGAGCATCGAGCTAAAG[TC>T]ACTGCACTGTCTGCCCACCAATTGACATCTATCAGTGGGTAAAAGGACTCTTTATCTAAG-3'

ClinVar aggregate classification (germline): Likely pathogenic (1 of 4 stars; one submission).

Allele frequency attached by ClinVar (database versions not stated): gnomAD exomes below 0.00001.

Submission:

GeneDx
Classification: Likely pathogenic. Last evaluated: 2019-02-12. Review status: criteria provided, single submitter. Criteria: GeneDx Variant Classification (06012015). Collection method: clinical testing. Allele origin: germline. Affected: yes.
Comment: The c.1203delG variant in the NBAS gene has not been reported previously as a pathogenic variant nor as a benign variant, to our knowledge. The c.1203delG variant causes a frameshift starting with codon Threonine 402, changes this amino acid to a Leucine residue, and creates a premature Stop codon at position 2 of the new reading frame, denoted p.Thr402LeufsX2. This variant is predicted to cause loss of normal protein function either through protein truncation or nonsense-mediated mRNA decay. The c.1203delG variant is not observed in large population cohorts (Lek et al., 2016). We interpret c.1203delG as a likely pathogenic variant,